The following is an entry in ClinVar:

NM_001197104.2(KMT2A):c.1592A>T (p.Tyr531Phe)

Gene: KMT2A (lysine methyltransferase 2A; plus strand). Cytogenetic location: 11q23.3.
Variant type: single nucleotide variant.
Coding change: c.1592A>T on transcript NM_001197104.2 (MANE Select); coding-DNA position 1592, A replaced by T.
Protein change: p.Tyr531Phe; replaces tyrosine 531 with phenylalanine.
Molecular consequence: missense variant.
Genome position (GRCh38, 1-based): chr11:118,472,751, A>T. VCF-style: chr11-118472751-A-T. GRCh37 (hg19) VCF-style: chr11-118343466-A-T.
Other names: c.1691A>T, p.Tyr564Phe (NM_001412597.1); c.1592A>T, p.Tyr531Phe (NM_005933.4); short protein forms Y564F, Y531F.
Identifiers: ClinVar variation 2695335 (VCV002695335.3), dbSNP rs2134262937, ClinGen allele CA382810444.
Genomic context (GRCh38, chr11:118,472,751, plus strand): 5'-CTCCACTGCCCATTTCCCAGTCCCCAGAAAATGAGAGTAATGATAGGAGAAGCAGAAGGT[A>T]TTCAGTGTCGGAGAGAAGTTTTGGATCTAGAACGACGAAAAAATTATCAACTCTACAAAG-3'
Protein context (NP_001184033.1, residues 521-541): NESNDRRSRR[Tyr531Phe]SVSERSFGSR

ClinVar aggregate classification (germline): Uncertain significance (1 of 4 stars; one submission).

gnomAD v4.1: 1 of 1,613,766 alleles (0.000062%); highest among the groups gnomAD compares: Non-Finnish European, 0.000085%; no homozygotes.

Submission:

Labcorp Genetics (formerly Invitae), Labcorp
Classification: Uncertain significance. Last evaluated: 2023-12-02. Review status: criteria provided, single submitter. Criteria: Invitae Variant Classification Sherloc (09022015). Collection method: clinical testing. Allele origin: germline.
Comment: This sequence change replaces tyrosine, which is neutral and polar, with phenylalanine, which is neutral and non-polar, at codon 531 of the KMT2A protein (p.Tyr531Phe). This variant is not present in population databases (gnomAD no frequency). This variant has not been reported in the literature in individuals affected with KMT2A-related conditions. Advanced modeling of protein sequence and biophysical properties (such as structural, functional, and spatial information, amino acid conservation, physicochemical variation, residue mobility, and thermodynamic stability) performed at Invitae indicates that this missense variant is not expected to disrupt KMT2A protein function with a negative predictive value of 95%. In summary, the available evidence is currently insufficient to determine the role of this variant in disease. Therefore, it has been classified as a Variant of Uncertain Significance.